The following is an entry in ClinVar:

NM_004360.5(CDH1):c.1036C>G (p.Gln346Glu)

Gene: CDH1 (cadherin 1; plus strand). Cytogenetic location: 16q22.1.
Variant type: single nucleotide variant.
Coding change: c.1036C>G on transcript NM_004360.5 (MANE Select); coding-DNA position 1036, C replaced by G.
Protein change: p.Gln346Glu; replaces glutamine 346 with glutamic acid.
Molecular consequence: missense variant. On other transcripts: 5 prime UTR variant (2).
Genome position (GRCh38, 1-based): chr16:68,812,162, C>G. VCF-style: chr16-68812162-C-G. GRCh37 (hg19) VCF-style: chr16-68846065-C-G.
Other names: c.1036C>G (LRG_301t1); c.1036C>G, p.Gln346Glu (NM_001317184.2); c.-580C>G (NM_001317185.2); c.-784C>G (NM_001317186.2); short protein forms Q346E.
Identifiers: ClinVar variation 239875 (VCV000239875.21), dbSNP rs878854676, ClinGen allele CA10583414.

ClinVar aggregate classification (germline): Conflicting classifications of pathogenicity. Review status: criteria provided, conflicting classifications (1 of 4 stars). 5 submissions from 5 submitters: Uncertain significance (3); Likely benign (1). 1 of the submissions does not count toward it. Last evaluated 2025-01-31.

Conditions:
Hereditary cancer-predisposing syndrome. Also called: Neoplastic Syndromes, Hereditary; Tumor predisposition; Hereditary neoplastic syndrome; Hereditary Cancer Syndrome. Identifiers: Orphanet 140162, MedGen C0027672, MeSH D009386, MONDO:0015356.
Hereditary diffuse gastric adenocarcinoma (HDGC). Also called: DIFFUSE GASTRIC AND LOBULAR BREAST CANCER SYNDROME. Identifiers: Orphanet 26106, MedGen C1708349, MONDO:0007648, OMIM 137215.

Allele frequency attached by ClinVar (database versions not stated): gnomAD exomes below 0.00001; TOPMed below 0.00001.
gnomAD v4.1: 2 of 1,614,184 alleles (0.00012%); highest among the groups gnomAD compares: Non-Finnish European, 0.00017%; no homozygotes.

Submissions (5):

Ambry Genetics
Classification: Likely benign for Hereditary cancer-predisposing syndrome. Last evaluated: 2025-01-31. Review status: criteria provided, single submitter. Criteria: Ambry Variant Classification Scheme 2023. Collection method: clinical testing. Allele origin: germline.

Labcorp Genetics (formerly Invitae), Labcorp
Classification: Uncertain significance for Hereditary diffuse gastric adenocarcinoma. Last evaluated: 2024-08-08. Review status: criteria provided, single submitter. Criteria: Invitae Variant Classification Sherloc (09022015). Collection method: clinical testing. Allele origin: germline.
Comment: This sequence change replaces glutamine, which is neutral and polar, with glutamic acid, which is acidic and polar, at codon 346 of the CDH1 protein (p.Gln346Glu). This variant is not present in population databases (gnomAD no frequency). This variant has not been reported in the literature in individuals affected with CDH1-related conditions. ClinVar contains an entry for this variant (Variation ID: 239875). An algorithm developed to predict the effect of missense changes on protein structure and function outputs the following: PolyPhen-2: "Benign". The glutamic acid amino acid residue is found in multiple mammalian species, which suggests that this missense change does not adversely affect protein function. In summary, the available evidence is currently insufficient to determine the role of this variant in disease. Therefore, it has been classified as a Variant of Uncertain Significance.

Color Diagnostics, LLC DBA Color Health
Classification: Uncertain significance for Hereditary cancer-predisposing syndrome. Last evaluated: 2024-03-06. Review status: criteria provided, single submitter. Criteria: ACMG Guidelines, 2015. Collection method: clinical testing. Allele origin: germline.
Comment: This missense variant replaces glutamine with glutamic acid at codon 346 of the CDH1 protein. Computational prediction suggests that this variant may not impact protein structure and function (internally defined REVEL score threshold <= 0.5, PMID: 27666373). Splice site prediction tools suggest that this variant may not impact RNA splicing. To our knowledge, functional studies have not been performed for this variant. This variant has not been reported in individuals affected with hereditary cancer in the literature. This variant has not been identified in the general population by the Genome Aggregation Database (gnomAD). The available evidence is insufficient to determine the role of this variant in disease conclusively. Therefore, this variant is classified as a Variant of Uncertain Significance.

Myriad Genetics, Inc.
Classification: Uncertain significance for Hereditary diffuse gastric adenocarcinoma. Last evaluated: 2023-03-03. Review status: criteria provided, single submitter. Criteria: Myriad Autosomal Dominant, Autosomal Recessive and X-Linked Classification Criteria (2023). Collection method: clinical testing. Allele origin: unknown.
Comment: This variant is classified as a variant of uncertain significance as there is insufficient evidence to determine its impact on protein function and/or cancer risk.

Counsyl
Classification: Uncertain significance for Hereditary diffuse gastric adenocarcinoma. Last evaluated: 2017-08-10. Review status: no assertion criteria provided. Collection method: clinical testing. Allele origin: unknown. Not counted in ClinVar's aggregate classification.